The following is an entry in ClinVar:

ClinVar aggregate classification (germline): Likely benign. Review status: criteria provided, multiple submitters, no conflicts (2 of 4 stars). 3 submissions from 3 submitters: Likely benign (3). Last evaluated 2025-07-03.

Conditions:
PDE6C-related disorder. Also called: PDE6C-related condition.

Allele frequency attached by ClinVar (database versions not stated): gnomAD exomes 0.00004 and 0.00012; ExAC 0.00013; gnomAD 0.00046 and 0.00049; TOPMed 0.00046; 1000 Genomes Project 30x 0.00016; 1000 Genomes Project 0.00020; ESP Exome Variant Server 0.00038.
gnomAD v4.1: 133 of 1,606,274 alleles (0.0083%); highest among the groups gnomAD compares: African/African-American, 0.14%; no homozygotes.

Submissions (3):

Labcorp Genetics (formerly Invitae), Labcorp
Classification: Likely benign. Last evaluated: 2025-07-03. Review status: criteria provided, single submitter. Criteria: Invitae Variant Classification Sherloc (09022015). Collection method: clinical testing. Allele origin: germline.

PreventionGenetics, part of Exact Sciences
Classification: Likely benign for PDE6C-related condition. Last evaluated: 2025-01-31. Review status: criteria provided, single submitter. Criteria: ACMG Guidelines, 2015. Collection method: clinical testing. Allele origin: germline.
Comment: This variant is classified as likely benign based on ACMG/AMP sequence variant interpretation guidelines (Richards et al. 2015 PMID: 25741868, with internal and published modifications).

Blueprint Genetics
Classification: Likely benign. Last evaluated: 2022-09-14. Review status: criteria provided, single submitter. Criteria: ACMG Guidelines, 2015. Collection method: clinical testing. Allele origin: germline.

NM_006204.4(PDE6C):c.1869A>G (p.Arg623=)

Gene: PDE6C (phosphodiesterase 6C; plus strand). Cytogenetic location: 10q23.33.
Variant type: single nucleotide variant.
Coding change: c.1869A>G on transcript NM_006204.4 (MANE Select); coding-DNA position 1869, A replaced by G.
Protein change: p.Arg623=; no amino-acid change (arginine 623 retained).
Molecular consequence: synonymous variant.
Genome position (GRCh38, 1-based): chr10:93,645,981, A>G. VCF-style: chr10-93645981-A-G. GRCh37 (hg19) VCF-style: chr10-95405738-A-G.
Other names: c.1869A>G (NM_006204.3).
Identifiers: ClinVar variation 1090089 (VCV001090089.11), dbSNP rs138461172, ClinGen allele CA5610328.